The following is an entry in ClinVar:

ClinVar aggregate classification (germline): Uncertain significance. Review status: criteria provided, single submitter (1 of 4 stars). 2 submissions from 2 submitters: Uncertain significance (1). 1 of the submissions does not count toward it. Last evaluated 2016-11-11.

Conditions:
Isovaleryl-CoA dehydrogenase deficiency (IVA). Also called: Isovaleric acidemia; ISOVALERIC ACID CoA DEHYDROGENASE DEFICIENCY; Classic Isovaleric Acidemia; IVD DEFICIENCY. Identifiers: Orphanet 33, MedGen C0268575, MONDO:0009475, OMIM 243500.

gnomAD v4.1: 35 of 1,614,030 alleles (0.0022%); highest among the groups gnomAD compares: Non-Finnish European, 0.0028%; no homozygotes.

Submissions (2):

GeneDx
Classification: Uncertain significance. Last evaluated: 2016-11-11. Review status: criteria provided, single submitter. Criteria: GeneDx Variant Classification (06012015). Collection method: clinical testing. Allele origin: germline. Affected: yes.
Comment: The V278M variant has not been published as a pathogenic variant, nor has it been reported as a benign variant to our knowledge. The V278M variant was not observed in approximately 6500 individuals of European and African American ancestry in the NHLBI Exome Sequencing Project, indicating it is not a common benign variant in these populations. The V278M variant is a conservative amino acid substitution, which is not likely to impact secondary protein structure as these residues share similar properties. This substitution occurs at a position that is conserved across species. In silico analysis predicts this variant is probably damaging to the protein structure/function. In summary, based on the currently available information, it is unclear whether this variant is a pathogenic variant or a rare benign variant.

Natera, Inc.
Classification: Uncertain significance for Isovaleryl-coa dehydrogenase deficiency. Last evaluated: 2020-11-05. Review status: no assertion criteria provided. Collection method: clinical testing. Allele origin: germline. Not counted in ClinVar's aggregate classification.

NM_002225.5(IVD):c.823G>A (p.Val275Met)

Gene: IVD (isovaleryl-CoA dehydrogenase; plus strand). Cytogenetic location: 15q15.1.
Variant type: single nucleotide variant.
Coding change: c.823G>A on transcript NM_002225.5 (MANE Select); coding-DNA position 823, G replaced by A.
Protein change: p.Val275Met; replaces valine 275 with methionine.
Molecular consequence: missense variant. On other transcripts: non-coding transcript variant (1).
Genome position (GRCh38, 1-based): chr15:40,414,927, G>A. VCF-style: chr15-40414927-G-A. GRCh37 (hg19) VCF-style: chr15-40707126-G-A.
Other names: c.733G>A, p.Val245Met (NM_001159508.3); c.775G>A, p.Val259Met (NM_001354597.3); c.823G>A, p.Val275Met (NM_001354598.3, NM_001354601.3); c.910G>A, p.Val304Met (NM_001354599.3, NM_001354600.3); short protein forms V245M, V275M, V259M, V304M.
Identifiers: ClinVar variation 373346 (VCV000373346.2), dbSNP rs757832700, ClinGen allele CA16042993.